The following is an entry in ClinVar:

NM_002576.5(PAK1):c.772C>T (p.Arg258Ter)

Gene: PAK1 (p21 (RAC1) activated kinase 1; minus strand). Cytogenetic location: 11q13.5.
Variant type: single nucleotide variant.
Coding change: c.772C>T on transcript NM_002576.5 (MANE Select); coding-DNA position 772, C replaced by T.
Protein change: p.Arg258Ter; replaces arginine 258 with a stop codon.
Molecular consequence: nonsense. On other transcripts: non-coding transcript variant (2), intron variant (1), synonymous variant (2).
Genome position (GRCh38, 1-based): chr11:77,355,668, G>A on the plus strand (C>T on the coding strand, the complement: PAK1 is on the minus strand). VCF-style: chr11-77355668-G-A. GRCh37 (hg19) VCF-style: chr11-77066713-G-A.
Other names: c.772C>T, p.Arg258Ter (NM_001128620.2, NM_001376268.1, NM_001376269.1 and 23 more transcripts); c.597+3230C>T (NM_001376303.1); c.793C>T, p.Arg265Ter (NM_001376272.1); c.772C>T, p.Leu258= (NM_001376294.1, NM_001376295.1); c.523C>T, p.Arg175Ter (NM_001376301.1); c.478C>T, p.Arg160Ter (NM_001376302.1, NM_001376304.1, NM_001376305.1); short protein forms R160*, R175*, R258*, R265*.
Identifiers: ClinVar variation 2580414 (VCV002580414.3), dbSNP rs201726311, ClinGen allele CA225033749.

ClinVar aggregate classification (germline): Uncertain significance. Review status: criteria provided, multiple submitters, no conflicts (2 of 4 stars). 2 submissions from 2 submitters: Uncertain significance (2). Last evaluated 2026-02-21.

Conditions:
Intellectual developmental disorder with macrocephaly, seizures, and speech delay. Identifiers: MedGen C4748428, MONDO:0032568, OMIM 618158.

Allele frequency attached by ClinVar (database versions not stated): gnomAD exomes below 0.00001.
gnomAD v4.1: 1 of 1,611,018 alleles (0.000062%); highest among the groups gnomAD compares: Non-Finnish European, 0.000085%; no homozygotes.

Submissions (2):

Dasa
Classification: Uncertain significance for Intellectual developmental disorder with macrocephaly, seizures, and speech delay. Last evaluated: 2026-02-21. Review status: criteria provided, single submitter. Criteria: DASA Assertion Criteria. Collection method: clinical testing. Allele origin: germline.
Comment: NM_002576.5(PAK1):c.772C>T (p.Arg258*) is a nonsense variant in PAK1 predicted to introduce a premature termination codon. This variant is rare in population databases. The currently available literature and clinical evidence are not sufficient to establish a definitive association between this variant and the reported condition. Therefore, this variant is classified as a variant of uncertain significance.

GeneDx
Classification: Uncertain significance. Last evaluated: 2023-03-21. Review status: criteria provided, single submitter. Criteria: GeneDx Variant Classification Process June 2021. Collection method: clinical testing. Allele origin: germline. Affected: yes.
Comment: Not observed at significant frequency in large population cohorts (gnomAD); Nonsense variant predicted to result in protein truncation or nonsense mediated decay in a gene or region of a gene for which loss of function is not a well-established mechanism of disease; Has not been previously published as pathogenic or benign to our knowledge